The following is an entry in ClinVar:

NM_014975.3(MAST1):c.1844C>T (p.Thr615Met)

Gene: MAST1 (microtubule associated serine/threonine kinase 1; plus strand). Cytogenetic location: 19p13.13.
Variant type: single nucleotide variant.
Coding change: c.1844C>T on transcript NM_014975.3 (MANE Select); coding-DNA position 1844, C replaced by T.
Protein change: p.Thr615Met; replaces threonine 615 with methionine.
Molecular consequence: missense variant.
Genome position (GRCh38, 1-based): chr19:12,865,756, C>T. VCF-style: chr19-12865756-C-T. GRCh37 (hg19) VCF-style: chr19-12976570-C-T.
Other names: short protein forms T615M.
Identifiers: ClinVar variation 2099029 (VCV002099029.4), dbSNP rs769003664, ClinGen allele CA9232991.

ClinVar aggregate classification (germline): Uncertain significance (1 of 4 stars; one submission).

Allele frequency attached by ClinVar (database versions not stated): ExAC 0.00001; gnomAD 0.00001.
gnomAD v4.1: 12 of 1,613,690 alleles (0.00074%); highest among the groups gnomAD compares: Admixed American, 0.013%; no homozygotes.

Submission:

Labcorp Genetics (formerly Invitae), Labcorp
Classification: Uncertain significance. Last evaluated: 2024-12-02. Review status: criteria provided, single submitter. Criteria: Invitae Variant Classification Sherloc (09022015). Collection method: clinical testing. Allele origin: germline.
Comment: This sequence change replaces threonine, which is neutral and polar, with methionine, which is neutral and non-polar, at codon 615 of the MAST1 protein (p.Thr615Met). This variant is present in population databases (rs769003664, gnomAD 0.02%). This variant has not been reported in the literature in individuals affected with MAST1-related conditions. ClinVar contains an entry for this variant (Variation ID: 2099029). An algorithm developed to predict the effect of missense changes on protein structure and function (PolyPhen-2) suggests that this variant is likely to be tolerated. In summary, the available evidence is currently insufficient to determine the role of this variant in disease. Therefore, it has been classified as a Variant of Uncertain Significance.